The following is an entry in ClinVar:

ClinVar aggregate classification (germline): Uncertain significance (1 of 4 stars; one submission).

Conditions:
Hereditary spastic paraplegia 73. Also called: Spastic paraplegia 73, autosomal dominant. Identifiers: Orphanet 444099, MedGen C5568981, MONDO:0014568, OMIM 616282.

Allele frequency attached by ClinVar (database versions not stated): gnomAD 0.00002; gnomAD exomes 0.00002; TOPMed 0.00002; ExAC 0.00002.
gnomAD v4.1: 30 of 1,613,960 alleles (0.0019%); highest among the groups gnomAD compares: South Asian, 0.012%; no homozygotes.

Submission:

Labcorp Genetics (formerly Invitae), Labcorp
Classification: Uncertain significance for Hereditary spastic paraplegia 73. Last evaluated: 2025-03-29. Review status: criteria provided, single submitter. Criteria: Invitae Variant Classification Sherloc (09022015). Collection method: clinical testing. Allele origin: germline.
Comment: This sequence change replaces threonine, which is neutral and polar, with methionine, which is neutral and non-polar, at codon 590 of the CPT1C protein (p.Thr590Met). This variant is present in population databases (rs747214352, gnomAD 0.01%). This variant has not been reported in the literature in individuals affected with CPT1C-related conditions. ClinVar contains an entry for this variant (Variation ID: 2718544). Invitae Evidence Modeling of protein sequence and biophysical properties (such as structural, functional, and spatial information, amino acid conservation, physicochemical variation, residue mobility, and thermodynamic stability) indicates that this missense variant is expected to disrupt CPT1C protein function with a positive predictive value of 80%. In summary, the available evidence is currently insufficient to determine the role of this variant in disease. Therefore, it has been classified as a Variant of Uncertain Significance.

NM_001199753.2(CPT1C):c.1802C>T (p.Thr601Met)

Gene: CPT1C (carnitine palmitoyltransferase 1C; plus strand). Cytogenetic location: 19q13.33.
Variant type: single nucleotide variant.
Coding change: c.1802C>T on transcript NM_001199753.2 (MANE Select); coding-DNA position 1802, C replaced by T.
Protein change: p.Thr601Met; replaces threonine 601 with methionine.
Molecular consequence: missense variant. On other transcripts: non-coding transcript variant (1), intron variant (3).
Genome position (GRCh38, 1-based): chr19:49,710,793, C>T. VCF-style: chr19-49710793-C-T. GRCh37 (hg19) VCF-style: chr19-50214050-C-T.
Other names: c.1769C>T, p.Thr590Met (NM_001136052.3, NM_001378485.1); c.1802C>T, p.Thr601Met (NM_001199752.3, NM_001378483.1, NM_001378484.1 and 1 more transcripts); c.1868C>T, p.Thr623Met (NM_001378482.1); c.1731+309C>T (NM_001378486.1, NM_001378488.1); c.1698+309C>T (NM_001378487.1); short protein forms T623M, T601M, T590M.
Identifiers: ClinVar variation 2718544 (VCV002718544.3), dbSNP rs747214352, ClinGen allele CA9582328.